The following is an entry in ClinVar:

ClinVar aggregate classification (germline): Benign. Review status: criteria provided, multiple submitters, no conflicts (2 of 4 stars). 4 submissions from 4 submitters: Benign (4). Last evaluated 2026-02-03.

Conditions:
Intellectual developmental disorder, X-linked 1. Also called: Intellectual disability, X-linked 1; MENTAL RETARDATION, X-LINKED 18; MENTAL RETARDATION, X-LINKED 78; Atkin Flaitz Patil Smith syndrome. Identifiers: Orphanet 777, MedGen C2931498, MONDO:0010656, OMIM 309530.

Allele frequency attached by ClinVar (database versions not stated): ExAC 0.00913; gnomAD 0.02500 and 0.02684; ESP Exome Variant Server 0.03332; 1000 Genomes Project 0.02437; 1000 Genomes Project 30x 0.02497; gnomAD exomes 0.00731; TOPMed 0.02967.
gnomAD v4.1: 5,689 of 1,207,887 alleles (0.47%); highest among the groups gnomAD compares: African/African-American, 8.6%; 153 homozygotes.

Submissions (4):

Labcorp Genetics (formerly Invitae), Labcorp
Classification: Benign for Intellectual developmental disorder, X-linked 1. Last evaluated: 2026-02-03. Review status: criteria provided, single submitter. Criteria: Invitae Variant Classification Sherloc (09022015). Collection method: clinical testing. Allele origin: germline.

Fulgent Genetics
Classification: Benign for Intellectual developmental disorder, X-linked 1. Last evaluated: 2022-04-25. Review status: criteria provided, single submitter. Criteria: ACMG Guidelines, 2015. Collection method: clinical testing. Allele origin: unknown.

GeneDx
Classification: Benign. Last evaluated: 2016-01-15. Review status: criteria provided, single submitter. Criteria: GeneDx Variant Classification (06012015). Collection method: clinical testing. Allele origin: germline. Affected: yes.
Comment: This variant is considered likely benign or benign based on one or more of the following criteria: it is a conservative change, it occurs at a poorly conserved position in the protein, it is predicted to be benign by multiple in silico algorithms, and/or has population frequency not consistent with disease.

Breakthrough Genomics
Classification: Benign. Review status: criteria provided, single submitter. Criteria: ACMG Guidelines, 2015. Collection method: not provided. Allele origin: germline. Inheritance: X-linked inheritance. Affected: yes.

NM_001111125.3(IQSEC2):c.2297+14G>A

Gene: IQSEC2 (IQ motif and Sec7 domain ArfGEF 2; minus strand). Cytogenetic location: Xp11.22.
Variant type: single nucleotide variant.
Coding change: c.2297+14G>A on transcript NM_001111125.3 (MANE Select); 14 bases into the intron after coding-DNA position 2297, G replaced by A.
Molecular consequence: intron variant.
Genome position (GRCh38, 1-based): chrX:53,250,265, C>T on the plus strand (G>A on the coding strand, the complement: IQSEC2 is on the minus strand). VCF-style: chrX-53250265-C-T. GRCh37 (hg19) VCF-style: chrX-53279447-C-T.
Other names: c.1682+14G>A (NM_015075.2).
Identifiers: ClinVar variation 382734 (VCV000382734.11), dbSNP rs17002631, ClinGen allele CA10419958.